The following is an entry in ClinVar:

ClinVar aggregate classification (germline): Likely benign (1 of 4 stars; one submission).

Allele frequency attached by ClinVar (database versions not stated): gnomAD 0.00001; ExAC 0.00002; gnomAD exomes 0.00001; TOPMed 0.00001; ESP Exome Variant Server 0.00008.
gnomAD v4.1: 21 of 1,613,428 alleles (0.0013%); highest among the groups gnomAD compares: Non-Finnish European, 0.0016%; no homozygotes.

Submission:

GeneDx
Classification: Likely benign. Last evaluated: 2016-05-26. Review status: criteria provided, single submitter. Criteria: GeneDx Variant Classification (06012015). Collection method: clinical testing. Allele origin: germline. Affected: yes.
Comment: This variant is considered likely benign or benign based on one or more of the following criteria: it is a conservative change, it occurs at a poorly conserved position in the protein, it is predicted to be benign by multiple in silico algorithms, and/or has population frequency not consistent with disease.

NM_001876.4(CPT1A):c.693C>T (p.Tyr231=)

Gene: CPT1A (carnitine palmitoyltransferase 1A; minus strand). Cytogenetic location: 11q13.3.
Variant type: single nucleotide variant.
Coding change: c.693C>T on transcript NM_001876.4 (MANE Select); coding-DNA position 693, C replaced by T.
Protein change: p.Tyr231=; no amino-acid change (tyrosine 231 retained).
Molecular consequence: synonymous variant.
Genome position (GRCh38, 1-based): chr11:68,799,218, G>A on the plus strand (C>T on the coding strand, the complement: CPT1A is on the minus strand). VCF-style: chr11-68799218-G-A. GRCh37 (hg19) VCF-style: chr11-68566686-G-A.
Other names: c.693C>T, p.Tyr231= (NM_001031847.3).
Identifiers: ClinVar variation 386076 (VCV000386076.1), dbSNP rs146551320, ClinGen allele CA6152597.